The following is an entry in ClinVar:

NM_000548.5(TSC2):c.1847A>C (p.Asp616Ala)

Gene: TSC2 (TSC complex subunit 2; plus strand). Cytogenetic location: 16p13.3.
Variant type: single nucleotide variant.
Coding change: c.1847A>C on transcript NM_000548.5 (MANE Select); coding-DNA position 1847, A replaced by C.
Protein change: p.Asp616Ala; replaces aspartic acid 616 with alanine.
Molecular consequence: missense variant.
Genome position (GRCh38, 1-based): chr16:2,071,517, A>C. VCF-style: chr16-2071517-A-C. GRCh37 (hg19) VCF-style: chr16-2121518-A-C.
Other names: c.1847A>C, p.Asp616Ala (NM_001077183.3, NM_001114382.3, NM_001363528.2 and 3 more transcripts); c.1736A>C, p.Asp579Ala (NM_001318827.2); c.1700A>C, p.Asp567Ala (NM_001318829.2); c.1247A>C, p.Asp416Ala (NM_001318831.2); c.1880A>C, p.Asp627Ala (NM_001318832.2); short protein forms D567A, D579A, D616A, D416A, D627A.
Identifiers: ClinVar variation 1388746 (VCV001388746.8), dbSNP rs2151296149, ClinGen allele CA394273041.

ClinVar aggregate classification (germline): Uncertain significance (1 of 4 stars; one submission).

Conditions:
Tuberous sclerosis 2 (TSC2). Identifiers: Orphanet 805, MedGen C1860707, MONDO:0013199, OMIM 613254.

Submission:

Labcorp Genetics (formerly Invitae), Labcorp
Classification: Uncertain significance for Tuberous sclerosis 2. Last evaluated: 2021-04-18. Review status: criteria provided, single submitter. Criteria: Invitae Variant Classification Sherloc (09022015). Collection method: clinical testing. Allele origin: germline.
Comment: In summary, the available evidence is currently insufficient to determine the role of this variant in disease. Therefore, it has been classified as a Variant of Uncertain Significance. Advanced modeling of protein sequence and biophysical properties (such as structural, functional, and spatial information, amino acid conservation, physicochemical variation, residue mobility, and thermodynamic stability) performed at Invitae indicates that this missense variant is not expected to disrupt TSC2 protein function. This variant has not been reported in the literature in individuals with TSC2-related conditions. This variant is not present in population databases (ExAC no frequency). This sequence change replaces aspartic acid with alanine at codon 616 of the TSC2 protein (p.Asp616Ala). The aspartic acid residue is highly conserved and there is a moderate physicochemical difference between aspartic acid and alanine.